The following is an entry in ClinVar:

NM_016111.4(TELO2):c.1268C>T (p.Pro423Leu)

Gene: TELO2 (telomere maintenance 2; plus strand). Cytogenetic location: 16p13.3.
Variant type: single nucleotide variant.
Coding change: c.1268C>T on transcript NM_016111.4 (MANE Select); coding-DNA position 1268, C replaced by T.
Protein change: p.Pro423Leu; replaces proline 423 with leucine.
Molecular consequence: missense variant.
Genome position (GRCh38, 1-based): chr16:1,500,686, C>T. VCF-style: chr16-1500686-C-T. GRCh37 (hg19) VCF-style: chr16-1550687-C-T.
Other names: c.1268C>T, p.Pro423Leu (NM_001351846.2); short protein forms P423L.
Identifiers: ClinVar variation 1926180 (VCV001926180.5), dbSNP rs368284673, ClinGen allele CA7812011.

ClinVar aggregate classification (germline): Uncertain significance (1 of 4 stars; one submission).

Allele frequency attached by ClinVar (database versions not stated): TOPMed below 0.00001; ExAC 0.00001; gnomAD exomes 0.00001; ESP Exome Variant Server 0.00008.

Submission:

Labcorp Genetics (formerly Invitae), Labcorp
Classification: Uncertain significance. Last evaluated: 2023-08-17. Review status: criteria provided, single submitter. Criteria: Invitae Variant Classification Sherloc (09022015). Collection method: clinical testing. Allele origin: germline.
Comment: This sequence change replaces proline, which is neutral and non-polar, with leucine, which is neutral and non-polar, at codon 423 of the TELO2 protein (p.Pro423Leu). This variant is present in population databases (rs368284673, gnomAD 0.005%). This variant has not been reported in the literature in individuals affected with TELO2-related conditions. ClinVar contains an entry for this variant (Variation ID: 1926180). Advanced modeling of protein sequence and biophysical properties (such as structural, functional, and spatial information, amino acid conservation, physicochemical variation, residue mobility, and thermodynamic stability) performed at Invitae indicates that this missense variant is not expected to disrupt TELO2 protein function. In summary, the available evidence is currently insufficient to determine the role of this variant in disease. Therefore, it has been classified as a Variant of Uncertain Significance.